The following is an entry in ClinVar:

NM_003072.5(SMARCA4):c.2380A>T (p.Thr794Ser)

Gene: SMARCA4 (SWI/SNF related BAF chromatin remodeling complex subunit ATPase 4; plus strand). Cytogenetic location: 19p13.2.
Variant type: single nucleotide variant.
Coding change: c.2380A>T on transcript NM_003072.5 (MANE Select); coding-DNA position 2380, A replaced by T.
Protein change: p.Thr794Ser; replaces threonine 794 with serine.
Molecular consequence: missense variant. On other transcripts: non-coding transcript variant (1).
Genome position (GRCh38, 1-based): chr19:11,013,054, A>T. VCF-style: chr19-11013054-A-T. GRCh37 (hg19) VCF-style: chr19-11123730-A-T.
Other names: c.2380A>T, p.Thr794Ser (NM_001128844.3, NM_001128845.2, NM_001128846.2 and 4 more transcripts); short protein forms T794S.
Identifiers: ClinVar variation 956841 (VCV000956841.9), dbSNP rs2089006879, ClinGen allele CA404053234.

ClinVar aggregate classification (germline): Uncertain significance (1 of 4 stars; one submission).

Conditions:
Rhabdoid tumor predisposition syndrome 2 (RTPS2). Identifiers: Orphanet 231108, Orphanet 69077, MedGen C2750074, MONDO:0013224, OMIM 613325.

Submission:

Labcorp Genetics (formerly Invitae), Labcorp
Classification: Uncertain significance for Rhabdoid tumor predisposition syndrome 2. Last evaluated: 2019-07-29. Review status: criteria provided, single submitter. Criteria: Invitae Variant Classification Sherloc (09022015). Collection method: clinical testing. Allele origin: germline.
Comment: This sequence change replaces threonine with serine at codon 794 of the SMARCA4 protein (p.Thr794Ser). The threonine residue is highly conserved and there is a small physicochemical difference between threonine and serine. This variant is not present in population databases (ExAC no frequency). This variant has not been reported in the literature in individuals with SMARCA4-related conditions. Algorithms developed to predict the effect of missense changes on protein structure and function are either unavailable or do not agree on the potential impact of this missense change (SIFT: "Deleterious"; PolyPhen-2: "Possibly Damaging"; Align-GVGD: "Class C0"). In summary, the available evidence is currently insufficient to determine the role of this variant in disease. Therefore, it has been classified as a Variant of Uncertain Significance.